The following is an entry in ClinVar:

NM_001845.6(COL4A1):c.994G>C (p.Gly332Arg)

Gene: COL4A1 (collagen type IV alpha 1 chain; minus strand). Cytogenetic location: 13q34.
Variant type: single nucleotide variant.
Coding change: c.994G>C on transcript NM_001845.6 (MANE Select); coding-DNA position 994, G replaced by C.
Protein change: p.Gly332Arg; replaces glycine 332 with arginine.
Molecular consequence: missense variant.
Genome position (GRCh38, 1-based): chr13:110,203,571, C>G on the plus strand (G>C on the coding strand, the complement: COL4A1 is on the minus strand). VCF-style: chr13-110203571-C-G. GRCh37 (hg19) VCF-style: chr13-110855918-C-G.
Other names: c.994G>C, p.Gly332Arg (NM_001303110.2); short protein forms G332R.
Identifiers: ClinVar variation 311067 (VCV000311067.19), dbSNP rs150182714, ClinGen allele CA7048174.

ClinVar aggregate classification (germline): Conflicting classifications of pathogenicity. Review status: criteria provided, conflicting classifications (1 of 4 stars). 6 submissions from 5 submitters: Uncertain significance (4); Likely benign (2). Last evaluated 2025-12-03.

Conditions:
Brain small vessel disease 1 with or without ocular anomalies (BSVD1). Also called: BRAIN SMALL VESSEL DISEASE WITH HEMORRHAGE; GOULD SYNDROME 1; PORENCEPHALY, TYPE 1, AUTOSOMAL DOMINANT; Brain small vessel disease with or without ocular anomalies. Identifiers: Orphanet 2940, Orphanet 36383, Orphanet 99810, MedGen C4755307, MONDO:0008289, OMIM 175780.
Autosomal dominant familial hematuria-retinal arteriolar tortuosity-contractures syndrome. Also called: Angiopathy, hereditary, with nephropathy, aneurysms, and muscle cramps; Hereditary Angiopathy with Nephropathy, Aneurysms, and Muscle Cramps (HANAC) Syndrome. Identifiers: Orphanet 73229, MedGen C2673195, MONDO:0012726, OMIM 611773.
Microangiopathy and leukoencephalopathy, pontine, autosomal dominant. Also called: DEMENTIA, HEREDITARY MULTI-INFARCT, SWEDISH TYPE; Pontine autosomal dominant microangiopathy with leukoencephalopathy. Identifiers: Orphanet 477749, MedGen C5231411, MONDO:0032814, OMIM 618564.
Retinal arterial tortuosity. Also called: RETINAL HEMORRHAGE WITH VASCULAR TORTUOSITY; Retinal arteries, tortuosity of. Identifiers: Orphanet 75326, MedGen C0423401, MONDO:0008373, OMIM 180000, HP:0000631.
Hemorrhage, intracerebral, susceptibility to (ICH). Also called: Stroke, hemorrhagic, susceptibility to. Identifiers: MedGen C3281105, MONDO:0100533, OMIM 614519.

Allele frequency attached by ClinVar (database versions not stated): 1000 Genomes Project 0.00020; gnomAD exomes 0.00004; ExAC 0.00005; TOPMed 0.00007; ESP Exome Variant Server 0.00015; 1000 Genomes Project 30x 0.00016; gnomAD 0.00003.
gnomAD v4.1: 198 of 1,613,990 alleles (0.012%); highest among the groups gnomAD compares: Non-Finnish European, 0.016%; no homozygotes.

Submissions (6):

Labcorp Genetics (formerly Invitae), Labcorp
Classification: Uncertain significance. Last evaluated: 2025-12-03. Review status: criteria provided, single submitter. Criteria: Invitae Variant Classification Sherloc (09022015). Collection method: clinical testing. Allele origin: germline.
Comment: This sequence change replaces glycine, which is neutral and non-polar, with arginine, which is basic and polar, at codon 332 of the COL4A1 protein (p.Gly332Arg). This variant is present in population databases (rs150182714, gnomAD 0.008%). This missense change has been observed in individual(s) with COL4A1-related conditions (PMID: 31719132). ClinVar contains an entry for this variant (Variation ID: 311067). Invitae Evidence Modeling of protein sequence and biophysical properties (such as structural, functional, and spatial information, amino acid conservation, physicochemical variation, residue mobility, and thermodynamic stability) has been performed for this missense variant. However, the output from this modeling did not meet the statistical confidence thresholds required to predict the impact of this variant on COL4A1 protein function. In summary, the available evidence is currently insufficient to determine the role of this variant in disease. Therefore, it has been classified as a Variant of Uncertain Significance.

Revvity Omics, Revvity
Classification: Uncertain significance. Last evaluated: 2024-11-06. Review status: criteria provided, single submitter. Criteria: ACMG Guidelines, 2015. Collection method: clinical testing. Allele origin: germline.

GeneDx
Classification: Uncertain significance. Last evaluated: 2024-06-11. Review status: criteria provided, single submitter. Criteria: GeneDx Variant Classification Process June 2021. Collection method: clinical testing. Allele origin: germline. Affected: yes.
Comment: In silico analysis supports that this missense variant has a deleterious effect on protein structure/function; Affects a glycine residue in a Gly-X-Y motif in the triple helical region of the COL4A1 gene; This variant is associated with the following publications: (PMID: 36300346, 31719132)

Fulgent Genetics
Classification: Uncertain significance for Brain small vessel disease 1 with or without ocular anomalies; Retinal arterial tortuosity; Autosomal dominant familial hematuria-retinal arteriolar tortuosity-contractures syndrome; Hemorrhage, intracerebral, susceptibility to; Microangiopathy and leukoencephalopathy, pontine, autosomal dominant. Last evaluated: 2023-12-29. Review status: criteria provided, single submitter. Criteria: ACMG Guidelines, 2015. Collection method: clinical testing. Allele origin: germline.

Illumina Laboratory Services, Illumina
Classification: Likely benign for Brain small vessel disease 1 with or without ocular anomalies. Last evaluated: 2018-01-13. Review status: criteria provided, single submitter. Criteria: ICSL Variant Classification Criteria 13 December 2019. Collection method: clinical testing. Allele origin: germline.
Comment: This variant was observed in the ICSL laboratory as part of a predisposition screen in an ostensibly healthy population. It had not been previously curated by ICSL or reported in the Human Gene Mutation Database (HGMD: prior to June 1st, 2018), and was therefore a candidate for classification through an automated scoring system. Utilizing variant allele frequency, disease prevalence and penetrance estimates, and inheritance mode, an automated score was calculated to assess if this variant is too frequent to cause the disease. Based on the score and internal cut-off values, a variant classified as likely benign is not then subjected to further curation. The score for this variant resulted in a classification of likely benign for this disease.

Illumina Laboratory Services, Illumina
Classification: Likely benign for Autosomal dominant familial hematuria-retinal arteriolar tortuosity-contractures syndrome. Last evaluated: 2018-01-13. Review status: criteria provided, single submitter. Criteria: ICSL Variant Classification Criteria 13 December 2019. Collection method: clinical testing. Allele origin: germline.
Comment: the same text as in the submission from Illumina Laboratory Services, Illumina above.

Literature cited by the submitters: PubMed 31719132 (cited by Labcorp Genetics (formerly Invitae), Labcorp).